The following is an entry in ClinVar:

NM_001106.4(ACVR2B):c.*2042C>T

Gene: ACVR2B (activin A receptor type 2B; plus strand). Cytogenetic location: 3p22.2.
Variant type: single nucleotide variant.
Coding change: c.*2042C>T on transcript NM_001106.4 (MANE Select); 2042 bases downstream of the stop codon, C replaced by T.
Molecular consequence: 3 prime UTR variant.
Genome position (GRCh38, 1-based): chr3:38,485,374, C>T. VCF-style: chr3-38485374-C-T. GRCh37 (hg19) VCF-style: chr3-38526865-C-T.
Identifiers: ClinVar variation 344956 (VCV000344956.5), dbSNP rs187282638, ClinGen allele CA10618215.

ClinVar aggregate classification (germline): Benign (1 of 4 stars; one submission).

Conditions:
Heterotaxy, visceral, 4, autosomal (HTX4). Identifiers: Orphanet 450, MedGen C3151057, MONDO:0013403, OMIM 613751.

Allele frequency attached by ClinVar (database versions not stated): gnomAD 0.00378 and 0.00395; TOPMed 0.00584; 1000 Genomes Project 30x 0.00734; 1000 Genomes Project 0.00759.

Submission:

Illumina Laboratory Services, Illumina
Classification: Benign for Heterotaxy, visceral, 4, autosomal. Last evaluated: 2018-01-12. Review status: criteria provided, single submitter. Criteria: ICSL Variant Classification Criteria 13 December 2019. Collection method: clinical testing. Allele origin: germline.
Comment: This variant was observed in the ICSL laboratory as part of a predisposition screen in an ostensibly healthy population. It had not been previously curated by ICSL or reported in the Human Gene Mutation Database (HGMD: prior to June 1st, 2018), and was therefore a candidate for classification through an automated scoring system. Utilizing variant allele frequency, disease prevalence and penetrance estimates, and inheritance mode, an automated score was calculated to assess if this variant is too frequent to cause the disease. Based on the score and internal cut-off values, a variant classified as benign is not then subjected to further curation. The score for this variant resulted in a classification of benign for this disease.